The following is an entry in ClinVar:

ClinVar aggregate classification (germline): Uncertain significance (1 of 4 stars; one submission).

Submission:

Labcorp Genetics (formerly Invitae), Labcorp
Classification: Uncertain significance. Last evaluated: 2024-07-07. Review status: criteria provided, single submitter. Criteria: Invitae Variant Classification Sherloc (09022015). Collection method: clinical testing. Allele origin: germline.
Comment: This sequence change falls in intron 8 of the TRAP1 gene. It does not directly change the encoded amino acid sequence of the TRAP1 protein. It affects a nucleotide within the consensus splice site. This variant is not present in population databases (gnomAD no frequency). This variant has not been reported in the literature in individuals affected with TRAP1-related conditions. Variants that disrupt the consensus splice site are a relatively common cause of aberrant splicing (PMID: 17576681, 9536098). Algorithms developed to predict the effect of sequence changes on RNA splicing suggest that this variant is not likely to affect RNA splicing. In summary, the available evidence is currently insufficient to determine the role of this variant in disease. Therefore, it has been classified as a Variant of Uncertain Significance.

Literature cited by the submitters: PubMed 17576681; PubMed 9536098.

NM_016292.3(TRAP1):c.888+6C>A

Gene: TRAP1 (TNF receptor associated protein 1; minus strand). Cytogenetic location: 16p13.3.
Variant type: single nucleotide variant.
Coding change: c.888+6C>A on transcript NM_016292.3 (MANE Select); 6 bases into the intron after coding-DNA position 888, C replaced by A.
Molecular consequence: intron variant.
Genome position (GRCh38, 1-based): chr16:3,675,318, G>T on the plus strand (C>A on the coding strand, the complement: TRAP1 is on the minus strand). VCF-style: chr16-3675318-G-T. GRCh37 (hg19) VCF-style: chr16-3725319-G-T.
Other names: c.729+6C>A (NM_001272049.2).
Identifiers: ClinVar variation 3655902 (VCV003655902.2).